The following is an entry in ClinVar:

NM_198904.4(GABRG2):c.1098C>T (p.Ser366=)

Gene: GABRG2 (gamma-aminobutyric acid type A receptor subunit gamma2; plus strand). Cytogenetic location: 5q34.
Variant type: single nucleotide variant.
Coding change: c.1098C>T on transcript NM_198904.4 (MANE Select); coding-DNA position 1098, C replaced by T.
Protein change: p.Ser366=; no amino-acid change (serine 366 retained).
Molecular consequence: synonymous variant. On other transcripts: intron variant (1).
Genome position (GRCh38, 1-based): chr5:162,149,283, C>T. VCF-style: chr5-162149283-C-T. GRCh37 (hg19) VCF-style: chr5-161576289-C-T.
Other names: c.1098C>T, p.Ser366= (NM_000816.3); c.1089C>T, p.Ser363= (NM_001375339.1); c.1095C>T, p.Ser365= (NM_001375341.1, NM_001375342.1); c.1218C>T, p.Ser406= (NM_001375343.1, NM_198903.2); c.1137C>T, p.Ser379= (NM_001375344.1); c.1032C>T, p.Ser344= (NM_001375345.1, NM_001375346.1); c.1011C>T, p.Ser337= (NM_001375347.1); c.678C>T, p.Ser226= (NM_001375348.1, NM_001375350.1); and 2 more.
Identifiers: ClinVar variation 4085221 (VCV004085221.8).

ClinVar aggregate classification (germline): Uncertain significance (1 of 4 stars; one submission).

Submission:

CeGaT Center for Human Genetics Tuebingen
Classification: Uncertain significance. Last evaluated: 2025-06-01. Review status: criteria provided, single submitter. Criteria: CeGaT Center For Human Genetics Tuebingen Variant Classification Criteria Version 2. Collection method: clinical testing. Allele origin: germline. Affected: yes. Observed: 1 variant allele.
Comment: GABRG2: PM2:Supporting